The following is an entry in ClinVar:

ClinVar aggregate classification (germline): Uncertain significance. Review status: criteria provided, multiple submitters, no conflicts (2 of 4 stars). 2 submissions from 2 submitters: Uncertain significance (2). Last evaluated 2026-07-18.

Conditions:
Inborn genetic diseases. Identifiers: MedGen C0950123, MeSH D030342.

Allele frequency attached by ClinVar (database versions not stated): gnomAD 0.00001; gnomAD exomes 0.00001; TOPMed below 0.00001.
gnomAD v4.1: 10 of 1,613,556 alleles (0.00062%); highest among the groups gnomAD compares: Admixed American, 0.0017%; no homozygotes.

Submissions (2):

GeneDx
Classification: Uncertain significance. Last evaluated: 2026-07-18. Review status: criteria provided, single submitter. Criteria: GeneDx Variant Classification Process June 2021. Collection method: clinical testing. Allele origin: germline.
Comment: Not observed at significant frequency in large population cohorts (gnomAD); In silico analysis supports that this missense variant has a deleterious effect on protein structure/function; Has not been previously published as pathogenic or benign to our knowledge

Ambry Genetics
Classification: Uncertain significance for Inborn genetic diseases. Last evaluated: 2023-03-06. Review status: criteria provided, single submitter. Criteria: Ambry Variant Classification Scheme 2023. Collection method: clinical testing. Allele origin: germline.

NM_033026.6(PCLO):c.5834C>T (p.Pro1945Leu)

Gene: PCLO (piccolo presynaptic cytomatrix protein; minus strand). Cytogenetic location: 7q21.11.
Variant type: single nucleotide variant.
Coding change: c.5834C>T on transcript NM_033026.6 (MANE Select); coding-DNA position 5834, C replaced by T.
Protein change: p.Pro1945Leu; replaces proline 1945 with leucine.
Molecular consequence: missense variant.
Genome position (GRCh38, 1-based): chr7:82,955,119, G>A on the plus strand (C>T on the coding strand, the complement: PCLO is on the minus strand). VCF-style: chr7-82955119-G-A. GRCh37 (hg19) VCF-style: chr7-82584435-G-A.
Other names: c.5834C>T, p.Pro1945Leu (NM_014510.3); short protein forms P1945L.
Identifiers: ClinVar variation 2494826 (VCV002494826.4), dbSNP rs1327023844, ClinGen allele CA367922961.